The following is an entry in ClinVar:

NM_004006.3(DMD):c.2287G>A (p.Val763Ile)

Gene: DMD (dystrophin; minus strand). Cytogenetic location: Xp21.1.
Variant type: single nucleotide variant.
Coding change: c.2287G>A on transcript NM_004006.3 (MANE Select); coding-DNA position 2287, G replaced by A.
Protein change: p.Val763Ile; replaces valine 763 with isoleucine.
Molecular consequence: missense variant.
Genome position (GRCh38, 1-based): chrX:32,518,013, C>T on the plus strand (G>A on the coding strand, the complement: DMD is on the minus strand). VCF-style: chrX-32518013-C-T. GRCh37 (hg19) VCF-style: chrX-32536130-C-T.
Other names: c.2263G>A, p.Val755Ile (NM_000109.4); c.2275G>A, p.Val759Ile (NM_004009.3); c.1918G>A, p.Val640Ile (NM_004010.3); short protein forms V640I, V759I, V755I, V763I.
Identifiers: ClinVar variation 966303 (VCV000966303.10), dbSNP rs2046031052, ClinGen allele CA412663626.

ClinVar aggregate classification (germline): Uncertain significance. Review status: criteria provided, single submitter (1 of 4 stars). 2 submissions from 2 submitters: Uncertain significance (1). 1 of the submissions does not count toward it. Last evaluated 2025-05-26.

Conditions:
Duchenne muscular dystrophy (DMD). Also called: MUSCULAR DYSTROPHY, PSEUDOHYPERTROPHIC PROGRESSIVE, DUCHENNE TYPE; Duchenne Muscular Dystrophy (DMD). Identifiers: Orphanet 98896, MedGen C0013264, MONDO:0010679, OMIM 310200.
Dystrophin deficiency.
Becker muscular dystrophy (BMD). Also called: MUSCULAR DYSTROPHY, PSEUDOHYPERTROPHIC PROGRESSIVE, BECKER TYPE; Becker Muscular Dystrophy (BMD). Identifiers: Orphanet 98895, MedGen C0917713, MONDO:0010311, OMIM 300376.
Cardiomyopathy (CMYO). Also called: Cardiomyopathies. Identifiers: Orphanet 167848, MedGen C0878544, MONDO:0004994, HP:0001638. Inheritance: Various modes of inheritance.

Allele frequency attached by ClinVar (database versions not stated): gnomAD exomes below 0.00001; gnomAD 0.00001.
gnomAD v4.1: 2 of 1,208,969 alleles (0.00017%); highest among the groups gnomAD compares: South Asian, 0.0035%; no homozygotes.

Submissions (2):

Labcorp Genetics (formerly Invitae), Labcorp
Classification: Uncertain significance for Duchenne muscular dystrophy. Last evaluated: 2025-05-26. Review status: criteria provided, single submitter. Criteria: Invitae Variant Classification Sherloc (09022015). Collection method: clinical testing. Allele origin: germline.
Comment: This sequence change replaces valine, which is neutral and non-polar, with isoleucine, which is neutral and non-polar, at codon 763 of the DMD protein (p.Val763Ile). This variant is not present in population databases (gnomAD no frequency). This variant has not been reported in the literature in individuals affected with DMD-related conditions. ClinVar contains an entry for this variant (Variation ID: 966303). Invitae Evidence Modeling of protein sequence and biophysical properties (such as structural, functional, and spatial information, amino acid conservation, physicochemical variation, residue mobility, and thermodynamic stability) indicates that this missense variant is not expected to disrupt DMD protein function with a negative predictive value of 95%. In summary, the available evidence is currently insufficient to determine the role of this variant in disease. Therefore, it has been classified as a Variant of Uncertain Significance.

Natera, Inc.
Classification: Uncertain significance for Becker muscular dystrophy; Cardiomyopathy; Duchenne muscular dystrophy; Dystrophin deficiency. Last evaluated: 2018-07-21. Review status: no assertion criteria provided. Collection method: clinical testing. Allele origin: germline. Not counted in ClinVar's aggregate classification.